The following is an entry in ClinVar:

ClinVar aggregate classification (germline): Uncertain significance. Review status: criteria provided, multiple submitters, no conflicts (2 of 4 stars). 2 submissions from 2 submitters: Uncertain significance (2). Last evaluated 2025-06-06.

Conditions:
Cardiovascular phenotype. Identifiers: MedGen CN230736.
Long QT syndrome (LQTS). Identifiers: MedGen C0023976, MeSH D008133, MONDO:0002442. Disease mechanism: loss of function. Inheritance: Various modes of inheritance.

gnomAD v4.1: 14 of 1,607,942 alleles (0.00087%); highest among the groups gnomAD compares: Admixed American, 0.018%; no homozygotes.

Submissions (2):

Labcorp Genetics (formerly Invitae), Labcorp
Classification: Uncertain significance for Long QT syndrome. Last evaluated: 2025-06-06. Review status: criteria provided, single submitter. Criteria: Invitae Variant Classification Sherloc (09022015). Collection method: clinical testing. Allele origin: germline.
Comment: This sequence change replaces asparagine, which is neutral and polar, with histidine, which is basic and polar, at codon 132 of the AKAP9 protein (p.Asn132His). This variant is present in population databases (rs755049262, gnomAD 0.01%). This variant has not been reported in the literature in individuals affected with AKAP9-related conditions. ClinVar contains an entry for this variant (Variation ID: 1423148). An algorithm developed to predict the effect of missense changes on protein structure and function (PolyPhen-2) suggests that this variant is likely to be tolerated. In summary, the available evidence is currently insufficient to determine the role of this variant in disease. Therefore, it has been classified as a Variant of Uncertain Significance.

Ambry Genetics
Classification: Uncertain significance for Cardiovascular phenotype. Last evaluated: 2024-01-04. Review status: criteria provided, single submitter. Criteria: Ambry Variant Classification Scheme 2023. Collection method: clinical testing. Allele origin: germline.

NM_005751.5(AKAP9):c.394A>C (p.Asn132His)

Gene: AKAP9 (A-kinase anchoring protein 9; plus strand). Cytogenetic location: 7q21.2.
Variant type: single nucleotide variant.
Coding change: c.394A>C on transcript NM_005751.5 (MANE Select); coding-DNA position 394, A replaced by C.
Protein change: p.Asn132His; replaces asparagine 132 with histidine.
Molecular consequence: missense variant.
Genome position (GRCh38, 1-based): chr7:91,992,200, A>C. VCF-style: chr7-91992200-A-C. GRCh37 (hg19) VCF-style: chr7-91621514-A-C.
Other names: c.394A>C, p.Asn132His (NM_147185.3); short protein forms N132H.
Identifiers: ClinVar variation 1423148 (VCV001423148.10), dbSNP rs755049262, ClinGen allele CA4335797.
Genomic context (GRCh38, chr7:91,992,200, plus strand): 5'-GAAATTGTTTTTATACAGGTAAATGGTTGCAGTTTTGTGATGAGAACAGGAAAGCCTACA[A>C]ATTTATTAAGGGTACAGTATTTAAAACTACTTGTGATACTAATGTTGGATACTATTTAAA-3'
Protein context (NP_005742.4, residues 122-142): SFVMRTGKPT[Asn132His]LLREEEFGVD